The following is an entry in ClinVar:

NM_000260.4(MYO7A):c.5156_5157del (p.Ser1718_Tyr1719insTer)

Gene: MYO7A (myosin VIIA; plus strand). Cytogenetic location: 11q13.5.
Variant type: Deletion.
Coding change: c.5156_5157del on transcript NM_000260.4 (MANE Select); coding-DNA positions 5156 to 5157, 2 bases deleted (AT; older notation c.5156_5157delAT).
Protein change: p.Ser1718_Tyr1719insTer.
Molecular consequence: nonsense.
Genome position (GRCh38, 1-based): chr11:77,202,412-77,202,413, AT deleted; deleting any 2 consecutive bases within chr11:77,202,411-77,202,413 gives the same sequence; the c. name uses the placement nearest the transcript's 3' end. VCF-style (leftmost placement, unchanged base first): chr11-77202410-CTA-C. GRCh37 (hg19) VCF-style: chr11-76913455-CTA-C.
Other names: c.5042_5043del, p.Ser1680_Tyr1681insTer (NM_001127180.2); c.5009_5010del, p.Ser1669_Tyr1670insTer (NM_001369365.1).
Identifiers: ClinVar variation 939611 (VCV000939611.7), dbSNP rs1957127300, ClinGen allele CA1139662093.
Genomic context (GRCh38, chr11:77,202,410, plus strand): 5'-GCAGCTGCGAACGGCGGAGCCCGAGGTGCGTGCCAAGCCCTACACGCTGGAGGAGTTTTC[CTA>C]TGACTACTTCAGGTGATGCCTCCTGGGGAAGGATGGGAGCCACAGGGCTAGGAGCTGCAG-3'

ClinVar aggregate classification (germline): Pathogenic (1 of 4 stars; one submission).

Submission:

Labcorp Genetics (formerly Invitae), Labcorp
Classification: Pathogenic. Last evaluated: 2020-03-31. Review status: criteria provided, single submitter. Criteria: Invitae Variant Classification Sherloc (09022015). Collection method: clinical testing. Allele origin: germline.
Comment: This sequence change creates a premature translational stop signal (p.Tyr1719*) in the MYO7A gene. It is expected to result in an absent or disrupted protein product. This variant is not present in population databases (ExAC no frequency). This variant has not been reported in the literature in individuals with MYO7A-related conditions. Loss-of-function variants in MYO7A are known to be pathogenic (PMID: 8900236, 25404053). For these reasons, this variant has been classified as Pathogenic.

Literature cited by the submitters: PubMed 8900236; PubMed 25404053.